The following is an entry in ClinVar:

ClinVar aggregate classification (germline): Uncertain significance (1 of 4 stars; one submission).

Conditions:
Inborn genetic diseases. Identifiers: MedGen C0950123, MeSH D030342.

gnomAD v4.1: 1 of 1,612,010 alleles (0.000062%); highest among the groups gnomAD compares: Non-Finnish European, 0.000085%; no homozygotes.

Submission:

Ambry Genetics
Classification: Uncertain significance for Inborn genetic diseases. Last evaluated: 2025-11-11. Review status: criteria provided, single submitter. Criteria: Ambry Variant Classification Scheme 2023. Collection method: clinical testing. Allele origin: germline.
Comment: The p.N1371D variant (also known as c.4111A>G), located in coding exon 1 of the SAMD9L gene, results from an A to G substitution at nucleotide position 4111. The asparagine at codon 1371 is replaced by aspartic acid, an amino acid with highly similar properties. This amino acid position is conserved. In addition, this alteration is predicted to be tolerated by in silico analysis. Based on the available evidence, the clinical significance of this variant remains unclear.

NM_152703.5(SAMD9L):c.4111A>G (p.Asn1371Asp)

Gene: SAMD9L (sterile alpha motif domain containing 9 like; minus strand). Cytogenetic location: 7q21.2.
Variant type: single nucleotide variant.
Coding change: c.4111A>G on transcript NM_152703.5 (MANE Select); coding-DNA position 4111, A replaced by G.
Protein change: p.Asn1371Asp; replaces asparagine 1371 with aspartic acid.
Molecular consequence: missense variant.
Genome position (GRCh38, 1-based): chr7:93,131,861, T>C on the plus strand (A>G on the coding strand, the complement: SAMD9L is on the minus strand). VCF-style: chr7-93131861-T-C. GRCh37 (hg19) VCF-style: chr7-92761174-T-C.
Other names: c.4111A>G, p.Asn1371Asp (NM_001303496.3, NM_001303497.3, NM_001303498.3 and 5 more transcripts); short protein forms N1371D.
Identifiers: ClinVar variation 4630113 (VCV004630113.1).
Genomic context (GRCh38, chr7:93,131,861, plus strand): 5'-TCAGAATAATGTTGGCCAAAATGGAATTTTGTTTCTCATTTGTCATGGGCTTTTTTGAGT[T>C]TTGCTGCAGTAGGAAGGCATATTCATTCACTATACTTTCCATGGTGGTAGCATCTTTGTA-3'
Protein context (NP_689916.2, residues 1361-1381): VNEYAFLLQQ[Asn1371Asp]SKKPMTNEKQ